The following is an entry in ClinVar:

ClinVar aggregate classification (germline): Likely pathogenic (1 of 4 stars; one submission).

Conditions:
Mowat-Wilson syndrome (MOWS). Also called: Classic Mowat-Wilson Syndrome. Identifiers: Orphanet 2152, MedGen C1856113, MONDO:0009341, OMIM 235730.

Submission:

3billion
Classification: Likely pathogenic for Mowat-Wilson syndrome. Last evaluated: 2023-08-17. Review status: criteria provided, single submitter. Criteria: ACMG Guidelines, 2015. Collection method: clinical testing. Allele origin: germline. Affected: yes.
Comment: The variant is not observed in the gnomAD v2.1.1 dataset. Predicted Consequence/Location: Frameshift: predicted to result in a loss or disruption of normal protein function through nonsense-mediated decay (NMD) or protein truncation. Multiple pathogenic variants are reported downstream of the variant. Therefore, this variant is classified as Likely pathogenic according to the recommendation of ACMG/AMP guideline.

NM_014795.4(ZEB2):c.656dup (p.Tyr220fs)

Gene: ZEB2 (zinc finger E-box binding homeobox 2; minus strand). Cytogenetic location: 2q22.3.
Variant type: Duplication.
Coding change: c.656dup on transcript NM_014795.4 (MANE Select); coding-DNA position 656, one base duplicated (G; older notation c.656dupG).
Protein change: p.Tyr220fs; shifts the reading frame from tyrosine 220.
Molecular consequence: frameshift variant.
Genome position (GRCh38, 1-based): chr2:144,404,067, C duplicated on the plus strand (G on the coding strand, the reverse complement: ZEB2 is on the minus strand); the first of 4 consecutive C bases (chr2:144,404,067-144,404,070); duplicating any one gives the same sequence. VCF-style (leftmost placement, unchanged base first): chr2-144404066-G-GC. GRCh37 (hg19) VCF-style: chr2-145161633-G-GC.
Other names: c.584dup, p.Tyr196fs (NM_001171653.2); short protein forms Y196fs, Y220fs.
Identifiers: ClinVar variation 3775290 (VCV003775290.1).